The following is an entry in ClinVar:

ClinVar aggregate classification (germline): Uncertain significance. Review status: criteria provided, multiple submitters, no conflicts (2 of 4 stars). 2 submissions from 2 submitters: Uncertain significance (2). Last evaluated 2022-03-01.

Conditions:
Hereditary cancer-predisposing syndrome. Also called: Tumor predisposition; Neoplastic Syndromes, Hereditary; Hereditary Cancer Syndrome; Hereditary neoplastic syndrome. Identifiers: Orphanet 140162, MedGen C0027672, MeSH D009386, MONDO:0015356.

Submissions (2):

Ambry Genetics
Classification: Uncertain significance for Hereditary cancer-predisposing syndrome. Last evaluated: 2022-03-01. Review status: criteria provided, single submitter. Criteria: Ambry Variant Classification Scheme 2023. Collection method: clinical testing. Allele origin: germline.
Comment: The p.V447L variant (also known as c.1339G>T), located in coding exon 9 of the CTNNA1 gene, results from a G to T substitution at nucleotide position 1339. The valine at codon 447 is replaced by leucine, an amino acid with highly similar properties. This amino acid position is conserved. In addition, the in silico prediction for this alteration is inconclusive. Since supporting evidence is limited at this time, the clinical significance of this alteration remains unclear.

Labcorp Genetics (formerly Invitae), Labcorp
Classification: Uncertain significance. Last evaluated: 2021-09-18. Review status: criteria provided, single submitter. Criteria: Invitae Variant Classification Sherloc (09022015). Collection method: clinical testing. Allele origin: germline.
Comment: This sequence change replaces valine with leucine at codon 447 of the CTNNA1 protein (p.Val447Leu). The valine residue is highly conserved and there is a small physicochemical difference between valine and leucine. This variant is not present in population databases (ExAC no frequency). This variant has not been reported in the literature in individuals affected with CTNNA1-related conditions. Algorithms developed to predict the effect of missense changes on protein structure and function are either unavailable or do not agree on the potential impact of this missense change (SIFT: "Deleterious"; PolyPhen-2: "Benign"; Align-GVGD: "Class C0"). In summary, the available evidence is currently insufficient to determine the role of this variant in disease. Therefore, it has been classified as a Variant of Uncertain Significance.

NM_001903.5(CTNNA1):c.1339G>T (p.Val447Leu)

Gene: CTNNA1 (catenin alpha 1; plus strand). Cytogenetic location: 5q31.2.
Variant type: single nucleotide variant.
Coding change: c.1339G>T on transcript NM_001903.5 (MANE Select); coding-DNA position 1339, G replaced by T.
Protein change: p.Val447Leu; replaces valine 447 with leucine.
Molecular consequence: missense variant. On other transcripts: 5 prime UTR variant (6), intron variant (3).
Genome position (GRCh38, 1-based): chr5:138,904,391, G>T. VCF-style: chr5-138904391-G-T. GRCh37 (hg19) VCF-style: chr5-138240080-G-T.
Other names: c.1339G>T, p.Val447Leu (NM_001290307.3, NM_001323982.2, NM_001323983.1 and 2 more transcripts); c.1030G>T, p.Val344Leu (NM_001290309.3); c.970G>T, p.Val324Leu (NM_001290310.3); c.229G>T, p.Val77Leu (NM_001290312.1, NM_001323987.1, NM_001323988.1 and 17 more transcripts); c.-169G>T (NM_001324006.1, NM_001324007.1, NM_001324008.1 and 1 more transcripts); c.-15G>T (NM_001324012.1, NM_001324013.1); c.1297-13351G>T (NM_001323986.2); c.187-13351G>T (NM_001324011.1); and 1 more; short protein forms V344L, V77L, V324L, V447L.
Identifiers: ClinVar variation 1381923 (VCV001381923.8), dbSNP rs762698589, ClinGen allele CA361135951.